The following is an entry in ClinVar:

NM_002691.4(POLD1):c.1074G>T (p.Arg358=)

Gene: POLD1 (DNA polymerase delta 1, catalytic subunit; plus strand). Cytogenetic location: 19q13.33.
Variant type: single nucleotide variant.
Coding change: c.1074G>T on transcript NM_002691.4 (MANE Select); coding-DNA position 1074, G replaced by T.
Protein change: p.Arg358=; no amino-acid change (arginine 358 retained).
Molecular consequence: synonymous variant. On other transcripts: non-coding transcript variant (1).
Genome position (GRCh38, 1-based): chr19:50,403,156, G>T. VCF-style: chr19-50403156-G-T. GRCh37 (hg19) VCF-style: chr19-50906413-G-T.
Other names: c.1074G>T, p.Arg358= (NM_001256849.1, NM_001308632.1, NM_001438210.1 and 3 more transcripts).
Identifiers: ClinVar variation 4844397 (VCV004844397.1).

ClinVar aggregate classification (germline): Uncertain significance (1 of 4 stars; one submission).

Conditions:
Hereditary cancer-predisposing syndrome. Also called: Neoplastic Syndromes, Hereditary; Tumor predisposition; Hereditary Cancer Syndrome; Hereditary neoplastic syndrome. Identifiers: Orphanet 140162, MedGen C0027672, MeSH D009386, MONDO:0015356.

Submission:

Ambry Genetics
Classification: Uncertain significance for Hereditary cancer-predisposing syndrome. Last evaluated: 2026-02-27. Review status: criteria provided, single submitter. Criteria: Ambry Variant Classification Scheme 2023. Collection method: clinical testing. Allele origin: germline.
Comment: The c.1074G>T variant (also known as p.R358R), located in coding exon 8 of the POLD1 gene, results from a G to T substitution at nucleotide position 1074. This nucleotide substitution does not change the amino acid at codon 358. This nucleotide position is well conserved in available vertebrate species. In silico splice site analysis for this alteration is inconclusive. Based on the available evidence, the clinical significance of this variant remains unclear.